The following is an entry in ClinVar:

NM_181783.4(TMTC3):c.1349_1350delinsCC (p.Asn450Thr)

Gene: TMTC3 (transmembrane O-mannosyltransferase targeting cadherins 3; plus strand). Cytogenetic location: 12q21.32.
Variant type: Indel.
Coding change: c.1349_1350delinsCC on transcript NM_181783.4 (MANE Select); coding-DNA positions 1349 to 1350, AT replaced by CC.
Protein change: p.Asn450Thr; replaces asparagine 450 with threonine.
Molecular consequence: missense variant. On other transcripts: non-coding transcript variant (1).
Genome position (GRCh38, 1-based): chr12:88,176,236-88,176,237, AT replaced by CC. VCF-style: chr12-88176236-AT-CC. GRCh37 (hg19) VCF-style: chr12-88570013-AT-CC.
Other names: c.1169_1170delinsCC, p.Asn390Thr (NM_001366574.1); c.1130_1131delinsCC, p.Asn377Thr (NM_001366579.1); c.1082_1083delinsCC, p.Asn361Thr (NM_001366580.1); c.656_657delinsCC, p.Asn219Thr (NM_001366583.1); short protein forms N390T, N450T, N377T, N219T, N361T.
Identifiers: ClinVar variation 1978733 (VCV001978733.4), dbSNP rs2502000523, ClinGen allele CA2580086708.
Genomic context (GRCh38, chr12:88,176,236, plus strand): 5'-TGTAACTTTTTCTATCTGTGCTTGTATTTAAGGTAAATAAAAATAATGCCAAACTTTGGA[AT>CC]AATGTGGGTCATGCTCTGGAAAATGAAAAGAACTTTGAGAGAGCTTTGAAATACTTCTTA-3'
Protein context (NP_861448.2, residues 440-460): KVNKNNAKLW[Asn450Thr]NVGHALENEK

ClinVar aggregate classification (germline): Uncertain significance (1 of 4 stars; one submission).

Submission:

Labcorp Genetics (formerly Invitae), Labcorp
Classification: Uncertain significance. Last evaluated: 2022-06-24. Review status: criteria provided, single submitter. Criteria: Invitae Variant Classification Sherloc (09022015). Collection method: clinical testing. Allele origin: germline.
Comment: In summary, the available evidence is currently insufficient to determine the role of this variant in disease. Therefore, it has been classified as a Variant of Uncertain Significance. Algorithms developed to predict the effect of missense changes on protein structure and function are either unavailable or do not agree on the potential impact of this missense change (SIFT: "Not Available"; PolyPhen-2: "Possibly Damaging"; Align-GVGD: "Not Available"). This variant has not been reported in the literature in individuals affected with TMTC3-related conditions. Information on the frequency of this variant in the gnomAD database is not available, as this variant may be reported differently in the database. This sequence change replaces asparagine, which is neutral and polar, with threonine, which is neutral and polar, at codon 450 of the TMTC3 protein (p.Asn450Thr).